The following is an entry in ClinVar:

NM_003803.4(MYOM1):c.1366G>A (p.Val456Met)

Gene: MYOM1 (myomesin 1; minus strand). Cytogenetic location: 18p11.31.
Variant type: single nucleotide variant.
Coding change: c.1366G>A on transcript NM_003803.4 (MANE Select); coding-DNA position 1366, G replaced by A.
Protein change: p.Val456Met; replaces valine 456 with methionine.
Molecular consequence: missense variant.
Genome position (GRCh38, 1-based): chr18:3,164,413, C>T on the plus strand (G>A on the coding strand, the complement: MYOM1 is on the minus strand). VCF-style: chr18-3164413-C-T. GRCh37 (hg19) VCF-style: chr18-3164411-C-T.
Other names: c.1366G>A, p.Val456Met (NM_019856.2); short protein forms V456M.
Identifiers: ClinVar variation 946369 (VCV000946369.10), dbSNP rs2080440129, ClinGen allele CA401715030.

ClinVar aggregate classification (germline): Uncertain significance (1 of 4 stars; one submission).

Conditions:
Hypertrophic cardiomyopathy. Also called: HYPERTROPHIC MYOCARDIOPATHY. Identifiers: Orphanet 217569, MedGen C0007194, MeSH D002312, MONDO:0005045, HP:0001639.

Allele frequency attached by ClinVar (database versions not stated): gnomAD exomes below 0.00001.
gnomAD v4.1: 1 of 1,607,024 alleles (0.000062%); highest among the groups gnomAD compares: Non-Finnish European, 0.000085%; no homozygotes.

Submission:

Labcorp Genetics (formerly Invitae), Labcorp
Classification: Uncertain significance for Hypertrophic cardiomyopathy. Last evaluated: 2019-06-07. Review status: criteria provided, single submitter. Criteria: Invitae Variant Classification Sherloc (09022015). Collection method: clinical testing. Allele origin: germline.
Comment: This sequence change replaces valine with methionine at codon 456 of the MYOM1 protein (p.Val456Met). The valine residue is moderately conserved and there is a small physicochemical difference between valine and methionine. This variant is not present in population databases (ExAC no frequency). This variant has not been reported in the literature in individuals with MYOM1-related conditions. Algorithms developed to predict the effect of missense changes on protein structure and function are either unavailable or do not agree on the potential impact of this missense change (SIFT: "Tolerated"; PolyPhen-2: "Probably Damaging"; Align-GVGD: "Class C0"). In summary, the available evidence is currently insufficient to determine the role of this variant in disease. Therefore, it has been classified as a Variant of Uncertain Significance.